The following is an entry in ClinVar:

ClinVar aggregate classification (germline): Benign. Review status: criteria provided, multiple submitters, no conflicts (2 of 4 stars). 2 submissions from 2 submitters: Benign (2). Last evaluated 2018-06-29.

Conditions:
Maple syrup urine disease (MSUD). Identifiers: Orphanet 511, MedGen C0024776, MeSH D008375, MONDO:0009563. Disease mechanism: loss of function.

Allele frequency attached by ClinVar (database versions not stated): gnomAD 0.04280 and 0.04472; TOPMed 0.04300; 1000 Genomes Project 0.04493; 1000 Genomes Project 30x 0.04575; gnomAD exomes 0.05468.
gnomAD v4.1: 27,009 of 524,386 alleles (5.2%); highest among the groups gnomAD compares: Admixed American, 6.8%; 841 homozygotes.

Submissions (2):

GeneDx
Classification: Benign. Last evaluated: 2018-06-29. Review status: criteria provided, single submitter. Criteria: GeneDx Variant Classification Process June 2021. Collection method: clinical testing. Allele origin: germline. Affected: yes.

Illumina Laboratory Services, Illumina
Classification: Benign for Maple syrup urine disease type 1A. Last evaluated: 2018-01-13. Review status: criteria provided, single submitter. Criteria: ICSL Variant Classification Criteria 13 December 2019. Collection method: clinical testing. Allele origin: germline.
Comment: This variant was observed in the ICSL laboratory as part of a predisposition screen in an ostensibly healthy population. It had not been previously curated by ICSL or reported in the Human Gene Mutation Database (HGMD: prior to June 1st, 2018), and was therefore a candidate for classification through an automated scoring system. Utilizing variant allele frequency, disease prevalence and penetrance estimates, and inheritance mode, an automated score was calculated to assess if this variant is too frequent to cause the disease. Based on the score and internal cut-off values, a variant classified as benign is not then subjected to further curation. The score for this variant resulted in a classification of benign for this disease.

NM_183050.4(BCKDHB):c.*236G>A

Gene: BCKDHB (branched chain keto acid dehydrogenase E1 subunit beta; plus strand). Cytogenetic location: 6q14.1.
Variant type: single nucleotide variant.
Coding change: c.*236G>A on transcript NM_183050.4 (MANE Select); 236 bases downstream of the stop codon, G replaced by A.
Molecular consequence: 3 prime UTR variant. On other transcripts: non-coding transcript variant (1), intron variant (1).
Genome position (GRCh38, 1-based): chr6:80,344,040, G>A. VCF-style: chr6-80344040-G-A. GRCh37 (hg19) VCF-style: chr6-81053757-G-A.
Other names: c.*236G>A (NM_001318975.1); c.*8+228G>A (NM_000056.5).
Identifiers: ClinVar variation 358175 (VCV000358175.7), dbSNP rs145101575, ClinGen allele CA10627718.